The following is an entry in ClinVar:

ClinVar aggregate classification (germline): Uncertain significance (1 of 4 stars; one submission).

Allele frequency attached by ClinVar (database versions not stated): gnomAD exomes below 0.00001.
gnomAD v4.1: 5 of 1,529,410 alleles (0.00033%); highest among the groups gnomAD compares: Non-Finnish European, 0.00044%; no homozygotes.

Submission:

GeneDx
Classification: Uncertain significance. Last evaluated: 2022-12-21. Review status: criteria provided, single submitter. Criteria: GeneDx Variant Classification Process June 2021. Collection method: clinical testing. Allele origin: germline. Affected: yes.
Comment: Not observed at significant frequency in large population cohorts (gnomAD); In silico analysis supports that this missense variant does not alter protein structure/function; Has not been previously published as pathogenic or benign to our knowledge

NM_013275.6(ANKRD11):c.6770G>T (p.Gly2257Val)

Gene: ANKRD11 (ankyrin repeat domain containing 11; minus strand). Cytogenetic location: 16q24.3.
Variant type: single nucleotide variant.
Coding change: c.6770G>T on transcript NM_013275.6 (MANE Select); coding-DNA position 6770, G replaced by T.
Protein change: p.Gly2257Val; replaces glycine 2257 with valine.
Molecular consequence: missense variant.
Genome position (GRCh38, 1-based): chr16:89,279,772, C>A on the plus strand (G>T on the coding strand, the complement: ANKRD11 is on the minus strand). VCF-style: chr16-89279772-C-A. GRCh37 (hg19) VCF-style: chr16-89346180-C-A.
Other names: c.6770G>T, p.Gly2257Val (NM_001256182.2, NM_001256183.2); short protein forms G2257V.
Identifiers: ClinVar variation 2506692 (VCV002506692.1), dbSNP rs2544220775, ClinGen allele CA397150053.